The following is an entry in ClinVar:

NM_018993.4(RIN2):c.2662G>A (p.Gly888Arg)

Gene: RIN2 (Ras and Rab interactor 2; plus strand). Cytogenetic location: 20p11.23.
Variant type: single nucleotide variant.
Coding change: c.2662G>A on transcript NM_018993.4 (MANE Select); coding-DNA position 2662, G replaced by A.
Protein change: p.Gly888Arg; replaces glycine 888 with arginine.
Molecular consequence: missense variant.
Genome position (GRCh38, 1-based): chr20:20,000,910, G>A. VCF-style: chr20-20000910-G-A. GRCh37 (hg19) VCF-style: chr20-19981554-G-A.
Other names: c.2662G>A (NM_018993.3); c.2809G>A, p.Gly937Arg (NM_001242581.2); c.2044G>A, p.Gly682Arg (NM_001378238.1); short protein forms G888R, G937R, G682R.
Identifiers: ClinVar variation 2698617 (VCV002698617.4), dbSNP rs763261576, ClinGen allele CA9780355.

ClinVar aggregate classification (germline): Uncertain significance. Review status: criteria provided, multiple submitters, no conflicts (2 of 4 stars). 2 submissions from 2 submitters: Uncertain significance (2). Last evaluated 2025-09-26.

Conditions:
Inborn genetic diseases. Identifiers: MedGen C0950123, MeSH D030342.

Allele frequency attached by ClinVar (database versions not stated): gnomAD 0.00001; ExAC 0.00002; gnomAD exomes 0.00003.
gnomAD v4.1: 40 of 1,612,304 alleles (0.0025%); highest among the groups gnomAD compares: Non-Finnish European, 0.003%; no homozygotes.

Submissions (2):

Ambry Genetics
Classification: Uncertain significance for Inborn genetic diseases. Last evaluated: 2025-09-26. Review status: criteria provided, single submitter. Criteria: Ambry Variant Classification Scheme 2023. Collection method: clinical testing. Allele origin: germline.

Labcorp Genetics (formerly Invitae), Labcorp
Classification: Uncertain significance. Last evaluated: 2023-08-07. Review status: criteria provided, single submitter. Criteria: Invitae Variant Classification Sherloc (09022015). Collection method: clinical testing. Allele origin: germline.
Comment: This sequence change replaces glycine, which is neutral and non-polar, with arginine, which is basic and polar, at codon 888 of the RIN2 protein (p.Gly888Arg). This variant is present in population databases (rs763261576, gnomAD 0.006%). This variant has not been reported in the literature in individuals affected with RIN2-related conditions. Algorithms developed to predict the effect of missense changes on protein structure and function output the following: SIFT: "Not Available"; PolyPhen-2: "Not Available"; Align-GVGD: "Not Available". The arginine amino acid residue is found in multiple mammalian species, which suggests that this missense change does not adversely affect protein function. In summary, the available evidence is currently insufficient to determine the role of this variant in disease. Therefore, it has been classified as a Variant of Uncertain Significance.